The following is an entry in ClinVar:

NM_000553.6(WRN):c.327T>A (p.Cys109Ter)

Gene: WRN (WRN RecQ like helicase; plus strand). Cytogenetic location: 8p12.
Variant type: single nucleotide variant.
Coding change: c.327T>A on transcript NM_000553.6 (MANE Select); coding-DNA position 327, T replaced by A.
Protein change: p.Cys109Ter; replaces cysteine 109 with a stop codon.
Molecular consequence: nonsense.
Genome position (GRCh38, 1-based): chr8:31,064,406, T>A. VCF-style: chr8-31064406-T-A. GRCh37 (hg19) VCF-style: chr8-30921922-T-A.
Other names: short protein forms C109*.
Identifiers: ClinVar variation 458445 (VCV000458445.7), dbSNP rs371538747, ClinGen allele CA370914384.

ClinVar aggregate classification (germline): Pathogenic (1 of 4 stars; one submission).

Conditions:
Werner syndrome (WRN). Identifiers: Orphanet 902, MedGen C0043119, MONDO:0010196, OMIM 277700.

gnomAD v4.1: 5 of 1,614,150 alleles (0.00031%); highest among the groups gnomAD compares: Non-Finnish European, 0.00042%; no homozygotes.

Submission:

Labcorp Genetics (formerly Invitae), Labcorp
Classification: Pathogenic for Werner syndrome. Last evaluated: 2019-06-14. Review status: criteria provided, single submitter. Criteria: Invitae Variant Classification Sherloc (09022015). Collection method: clinical testing. Allele origin: germline.
Comment: For these reasons, this variant has been classified as Pathogenic. Loss-of-function variants in WRN are known to be pathogenic (PMID: 16673358). This variant has not been reported in the literature in individuals with WRN-related conditions. ClinVar contains an entry for this variant (Variation ID: 458445). This variant is not present in population databases (ExAC no frequency). This sequence change creates a premature translational stop signal (p.Cys109*) in the WRN gene. It is expected to result in an absent or disrupted protein product.

Literature cited by the submitters: PubMed 16673358.